The following is an entry in ClinVar:

NM_002519.3(NPAT):c.3860T>C (p.Ile1287Thr)

Gene: NPAT (nuclear protein, coactivator of histone transcription; minus strand). Cytogenetic location: 11q22.3.
Variant type: single nucleotide variant.
Coding change: c.3860T>C on transcript NM_002519.3 (MANE Select); coding-DNA position 3860, T replaced by C.
Protein change: p.Ile1287Thr; replaces isoleucine 1287 with threonine.
Molecular consequence: missense variant.
Genome position (GRCh38, 1-based): chr11:108,161,226, A>G on the plus strand (T>C on the coding strand, the complement: NPAT is on the minus strand). VCF-style: chr11-108161226-A-G. GRCh37 (hg19) VCF-style: chr11-108031953-A-G.
Other names: c.3881T>C, p.Ile1294Thr (NM_001321307.1); short protein forms I1287T, I1294T.
Identifiers: ClinVar variation 1735607 (VCV001735607.2), dbSNP rs2496694347, ClinGen allele CA382509888.
Genomic context (GRCh38, chr11:108,161,226, plus strand): 5'-GGGACCATTACTTTTGATGTACTACTGTCTTCACTGAAACGCCTACTAGAGGGGGCCTTG[A>G]TAATATCTATAGGTTCTTCTTTATGTTTTTCCCCTGCCCCTGAGCCAGGTGTCCGGGGCA-3'
Protein context (NP_002510.2, residues 1277-1297): EKHKEEPIDI[Ile1287Thr]KAPSSRRFSE

ClinVar aggregate classification (germline): Uncertain significance (1 of 4 stars; one submission).

Allele frequency attached by ClinVar (database versions not stated): gnomAD exomes below 0.00001.
gnomAD v4.1: 1 of 1,614,092 alleles (0.000062%); no homozygotes.

Submission:

Ambry Genetics
Classification: Uncertain significance. Last evaluated: 2021-12-15. Review status: criteria provided, single submitter. Criteria: Ambry Variant Classification Scheme 2023. Collection method: clinical testing. Allele origin: germline.
Comment: The p.I1287T variant (also known as c.3860T>C), located in coding exon 17 of the NPAT gene, results from a T to C substitution at nucleotide position 3860. The isoleucine at codon 1287 is replaced by threonine, an amino acid with similar properties. This amino acid position is conserved. In addition, this alteration is predicted to be tolerated by in silico analysis. Since supporting evidence is limited at this time, the clinical significance of this alteration remains unclear.